The following is an entry in ClinVar:

ClinVar aggregate classification (germline): Conflicting classifications of pathogenicity. Review status: criteria provided, conflicting classifications (1 of 4 stars). 5 submissions from 5 submitters: Likely pathogenic (3); Uncertain significance (2). Last evaluated 2026-09-05.

Conditions:
Cardiovascular phenotype. Identifiers: MedGen CN230736.
Long QT syndrome (LQTS). Identifiers: MedGen C0023976, MeSH D008133, MONDO:0002442. Disease mechanism: loss of function. Inheritance: Various modes of inheritance.

Allele frequency attached by ClinVar (database versions not stated): gnomAD exomes below 0.00001; TOPMed below 0.00001; ExAC 0.00001; gnomAD 0.00001.
gnomAD v4.1: 1 of 1,608,318 alleles (0.000062%); highest among the groups gnomAD compares: African/African-American, 0.0013%; no homozygotes.

Submissions (5):

GeneDx
Classification: Likely pathogenic. Last evaluated: 2026-09-05. Review status: criteria provided, single submitter. Criteria: GeneDx Variant Classification Process June 2021. Collection method: clinical testing. Allele origin: germline.
Comment: Reported in association with LQTS (PMID: 23631430); Published functional studies demonstrate that this variant shows reduced trafficking but does not significantly change current density (PMID: 35688148); In silico analysis supports that this missense variant has a deleterious effect on protein structure/function; Not observed at significant frequency in large population cohorts (gnomAD); This variant is associated with the following publications: (PMID: 23631430, 22396785, 35688148)

Ambry Genetics
Classification: Likely pathogenic for Cardiovascular phenotype. Last evaluated: 2026-05-18. Review status: criteria provided, single submitter. Criteria: Ambry Variant Classification Scheme 2023. Collection method: clinical testing. Allele origin: germline.
Comment: The p.P63H variant (also known as c.188C>A), located in coding exon 2 of the KCNH2 gene, results from a C to A substitution at nucleotide position 188. The proline at codon 63 is replaced by histidine, an amino acid with similar properties. This alteration has been reported in multiple individuals with a diagnosis of long QT syndrome (Lieve KV et al. Genet Test Mol Biomarkers, 2013 Jul;17:553-61; Ambry internal data; external communication). Additionally, this alteration has been predicted to be disruptive to the PAS domain (Ambry internal data). This missense variant is located in a region that has a low rate of benign missense variation (Lek M et al. Nature. 2016 Aug 18;536(7616):285-91; DECIPHER: Database of Chromosomal Imbalance and Phenotype in Humans using Ensembl Resources. Firth H.V. et al. 2009. Am.J.Hum.Genet. 84, 524-533 (DOI)). This amino acid position is highly conserved in available vertebrate species. In addition, this alteration is predicted to be deleterious by in silico analysis. Based on the majority of available evidence to date, this variant is likely to be pathogenic.

Labcorp Genetics (formerly Invitae), Labcorp
Classification: Likely pathogenic for Long QT syndrome. Last evaluated: 2025-02-25. Review status: criteria provided, single submitter. Criteria: Invitae Variant Classification Sherloc (09022015). Collection method: clinical testing. Allele origin: germline.
Comment: This sequence change replaces proline, which is neutral and non-polar, with histidine, which is basic and polar, at codon 63 of the KCNH2 protein (p.Pro63His). The frequency data for this variant in the population databases is considered unreliable, as metrics indicate poor data quality at this position in the gnomAD database. This missense change has been observed in individuals with long QT syndrome (PMID: 23631430; internal data). It has also been observed to segregate with disease in related individuals. ClinVar contains an entry for this variant (Variation ID: 200559). An algorithm developed to predict the effect of missense changes on protein structure and function (PolyPhen-2) suggests that this variant is likely to be disruptive. Experimental studies have shown that this missense change affects KCNH2 function (PMID: 35688148). This variant disrupts the p.Pro63 amino acid residue in KCNH2. Other variant(s) that disrupt this residue have been observed in individuals with KCNH2-related conditions (internal data), which suggests that this may be a clinically significant amino acid residue. In summary, the currently available evidence indicates that the variant is pathogenic, but additional data are needed to prove that conclusively. Therefore, this variant has been classified as Likely Pathogenic.

AiLife Diagnostics
Classification: Uncertain significance. Last evaluated: 2022-02-22. Review status: criteria provided, single submitter. Criteria: ACMG Guidelines, 2015. Collection method: clinical testing. Allele origin: germline. Affected: yes. Observed: 3 variant alleles.

Women's Health and Genetics/Laboratory Corporation of America, LabCorp
Classification: Uncertain significance. Last evaluated: 2016-04-13. Review status: criteria provided, single submitter. Criteria: LabCorp Variant Classification Summary - May 2015. Collection method: clinical testing. Allele origin: germline.
Comment: Variant summary: The KCNH2 c.188C>A variant is a missense change that alters a conserved nucleotide, resulting in an amino acid change from a non-polar Pro to a positively charged His residue. 4/4 in silico tools predict deleterious outcome (SNPs&GO not captured due to low reliability index). However, at the time of classification, functional studies had not been carried out to confirm these in silico predictions. The variant was observed in the large and broad cohorts of the ExAC project at an allele frequency of 0.0013% (1/79290 chromosomes tested), which does not exceed the maximal expected allele frequency for a pathogenic KCNH2 variant. Additionally, the variant of interest has been reported in at least 1 patient with LQTS from the literature and was classified by a clinical diagnostic center as Pathogenic. Furthermore, multiple nearby missense mutations, such as c.182A>G (p.Q61R), c.185G>A (p.R62Q), c.191G>A (p.C64Y), andc.192C>G (p.C64W), have been reported in association with LQTS, further supporting the functional importance of this region. However, additional clinical information and segregation data are needed to evaluate the clinical significance of this missense change with confidence. Taken together, the variant was classified as a VUS until more information becomes available.

Literature cited by the submitters: PubMed 23631430 (cited by 4 submitters); PubMed 35688148 (cited by Labcorp Genetics (formerly Invitae), Labcorp).

NM_000238.4(KCNH2):c.188C>A (p.Pro63His)

Gene: KCNH2 (potassium voltage-gated channel subfamily H member 2; minus strand). Cytogenetic location: 7q36.1.
Variant type: single nucleotide variant.
Coding change: c.188C>A on transcript NM_000238.4 (MANE Select); coding-DNA position 188, C replaced by A.
Protein change: p.Pro63His; replaces proline 63 with histidine.
Molecular consequence: missense variant.
Genome position (GRCh38, 1-based): chr7:150,974,830, G>T on the plus strand (C>A on the coding strand, the complement: KCNH2 is on the minus strand). VCF-style: chr7-150974830-G-T. GRCh37 (hg19) VCF-style: chr7-150671918-G-T.
Other names: p.P63H:CCC>CAC; c.11C>A, p.Pro4His (NM_001406755.1); c.188C>A, p.Pro63His (NM_172056.3); short protein forms P63H, P4H.
Identifiers: ClinVar variation 200559 (VCV000200559.21), dbSNP rs766379103, ClinGen allele CA005881.
Genomic context (GRCh38, chr7:150,974,830, plus strand): 5'-GCGATCTGCGCGGCAGCGCGGCGCTGCGTGCGCGGCCCGTGCAGGAAGTCGCAGGTGCAG[G>T]GTCGCTGCATCACCTCGGCCCGCGAGTAGCCGCACAGCTCGCAGAAGCCGTCGTTGCAGT-3'
Protein context (NP_000229.1, residues 53-73): GYSRAEVMQR[Pro63His]CTCDFLHGPR